The following is an entry in ClinVar:

NM_144997.7(FLCN):c.1171C>A (p.Leu391Ile)

Gene: FLCN (folliculin; minus strand). Cytogenetic location: 17p11.2.
Variant type: single nucleotide variant.
Coding change: c.1171C>A on transcript NM_144997.7 (MANE Select); coding-DNA position 1171, C replaced by A.
Protein change: p.Leu391Ile; replaces leucine 391 with isoleucine.
Molecular consequence: missense variant.
Genome position (GRCh38, 1-based): chr17:17,217,074, G>T on the plus strand (C>A on the coding strand, the complement: FLCN is on the minus strand). VCF-style: chr17-17217074-G-T. GRCh37 (hg19) VCF-style: chr17-17120388-G-T.
Other names: c.1225C>A, p.Leu409Ile (NM_001353229.2); c.1171C>A, p.Leu391Ile (NM_001353230.2, NM_001353231.2); short protein forms L409I, L391I.
Identifiers: ClinVar variation 2451833 (VCV002451833.2), dbSNP rs1555607942, ClinGen allele CA398532109.

ClinVar aggregate classification (germline): Uncertain significance (1 of 4 stars; one submission).

Conditions:
Hereditary cancer-predisposing syndrome. Also called: Neoplastic Syndromes, Hereditary; Tumor predisposition; Hereditary neoplastic syndrome; Hereditary Cancer Syndrome. Identifiers: Orphanet 140162, MedGen C0027672, MeSH D009386, MONDO:0015356.

gnomAD v4.1: 4 of 1,608,984 alleles (0.00025%); highest among the groups gnomAD compares: Non-Finnish European, 0.00034%; no homozygotes.

Submission:

Ambry Genetics
Classification: Uncertain significance for Hereditary cancer-predisposing syndrome. Last evaluated: 2023-01-18. Review status: criteria provided, single submitter. Criteria: Ambry Variant Classification Scheme 2023. Collection method: clinical testing. Allele origin: germline.
Comment: The p.L391I variant (also known as c.1171C>A), located in coding exon 7 of the FLCN gene, results from a C to A substitution at nucleotide position 1171. The leucine at codon 391 is replaced by isoleucine, an amino acid with highly similar properties. This amino acid position is conserved. In addition, the in silico prediction for this alteration is inconclusive. Since supporting evidence is limited at this time, the clinical significance of this alteration remains unclear.